The following is an entry in ClinVar:

NM_014946.4(SPAST):c.1174-208G>A

Gene: SPAST (spastin; plus strand). Cytogenetic location: 2p22.3.
Variant type: single nucleotide variant.
Coding change: c.1174-208G>A on transcript NM_014946.4 (MANE Select); 208 bases into the intron before coding-DNA position 1174, G replaced by A.
Molecular consequence: intron variant.
Genome position (GRCh38, 1-based): chr2:32,128,200, G>A. VCF-style: chr2-32128200-G-A. GRCh37 (hg19) VCF-style: chr2-32353269-G-A.
Other names: c.1078-208G>A (NM_199436.2, NM_001377959.1); c.1171-208G>A (NM_001363823.2); c.1075-208G>A (NM_001363875.2).
Identifiers: ClinVar variation 677789 (VCV000677789.1), dbSNP rs140628991, ClinGen allele CA44742590.

ClinVar aggregate classification (germline): Likely benign (1 of 4 stars; one submission).

Allele frequency attached by ClinVar (database versions not stated): gnomAD exomes 0.00074; gnomAD 0.00591 and 0.00629; 1000 Genomes Project 0.00659; TOPMed 0.00704; 1000 Genomes Project 30x 0.00765.
gnomAD v4.1: 1,163 of 504,170 alleles (0.23%); highest among the groups gnomAD compares: African/African-American, 2%; 13 homozygotes.

Submission:

GeneDx
Classification: Likely benign. Last evaluated: 2018-06-14. Review status: criteria provided, single submitter. Criteria: GeneDx Variant Classification (06012015). Collection method: clinical testing. Allele origin: germline. Affected: yes.
Comment: This variant is considered likely benign or benign based on one or more of the following criteria: it is a conservative change, it occurs at a poorly conserved position in the protein, it is predicted to be benign by multiple in silico algorithms, and/or has population frequency not consistent with disease.